The following is an entry in ClinVar:

NM_000166.6(GJB1):c.830G>A (p.Ser277Asn)

Gene: GJB1 (gap junction protein beta 1; plus strand). Cytogenetic location: Xq13.1.
Variant type: single nucleotide variant.
Coding change: c.830G>A on transcript NM_000166.6 (MANE Select); coding-DNA position 830, G replaced by A.
Protein change: p.Ser277Asn; replaces serine 277 with asparagine.
Molecular consequence: missense variant.
Genome position (GRCh38, 1-based): chrX:71,224,537, G>A. VCF-style: chrX-71224537-G-A. GRCh37 (hg19) VCF-style: chrX-70444387-G-A.
Other names: c.830G>A, p.Ser277Asn (NM_001097642.3); short protein forms S277N.
Identifiers: ClinVar variation 543924 (VCV000543924.13), dbSNP rs748095080, ClinGen allele CA10445350.

ClinVar aggregate classification (germline): Conflicting classifications of pathogenicity. Review status: criteria provided, conflicting classifications (1 of 4 stars). 4 submissions from 4 submitters: Uncertain significance (2); Likely benign (1). 1 of the submissions does not count toward it. Last evaluated 2025-05-07.

Conditions:
Inborn genetic diseases. Identifiers: MedGen C0950123, MeSH D030342.
Charcot-Marie-Tooth disease. Also called: Charcot-Marie-Tooth Neuropathy; Charcot-Marie-Tooth Hereditary Neuropathy. Identifiers: Orphanet 166, MedGen C0007959, MONDO:0015626.
Charcot-Marie-Tooth Neuropathy X. Identifiers: MedGen CN118851.

Allele frequency attached by ClinVar (database versions not stated): gnomAD 0.00003; gnomAD exomes 0.00004 and 0.00008; TOPMed 0.00005; ExAC 0.00007.
gnomAD v4.1: 84 of 1,188,349 alleles (0.0071%); highest among the groups gnomAD compares: Non-Finnish European, 0.0089%; no homozygotes.

Submissions (4):

Labcorp Genetics (formerly Invitae), Labcorp
Classification: Likely benign for Charcot-Marie-Tooth Neuropathy X. Last evaluated: 2025-05-07. Review status: criteria provided, single submitter. Criteria: Invitae Variant Classification Sherloc (09022015). Collection method: clinical testing. Allele origin: germline.

Ambry Genetics
Classification: Uncertain significance for Inborn genetic diseases. Last evaluated: 2025-04-03. Review status: criteria provided, single submitter. Criteria: Ambry Variant Classification Scheme 2023. Collection method: clinical testing. Allele origin: germline.

Athena Diagnostics
Classification: Uncertain significance. Last evaluated: 2022-09-23. Review status: criteria provided, single submitter. Criteria: Athena Diagnostics Criteria. Collection method: clinical testing. Allele origin: unknown.
Comment: Available data are insufficient to determine the clinical significance of the variant at this time. The frequency of this variant in the general population is uninformative in assessment of its pathogenicity. This variant has been identified in at least one individual with clinical features associated with this gene. Computational tools predict that this variant is not damaging.

Natera, Inc.
Classification: Likely benign for Charcot-Marie-Tooth disease. Last evaluated: 2019-10-28. Review status: no assertion criteria provided. Collection method: clinical testing. Allele origin: germline. Not counted in ClinVar's aggregate classification.

Literature cited by the submitters: PubMed 30373780 (cited by Athena Diagnostics).